The following is an entry in ClinVar:

NM_003659.4(AGPS):c.*4253C>A

Gene: AGPS (alkylglycerone phosphate synthase; plus strand). Cytogenetic location: 2q31.2.
Variant type: single nucleotide variant.
Coding change: c.*4253C>A on transcript NM_003659.4 (MANE Select); 4253 bases downstream of the stop codon, C replaced by A.
Molecular consequence: 3 prime UTR variant.
Genome position (GRCh38, 1-based): chr2:177,542,448, C>A. VCF-style: chr2-177542448-C-A. GRCh37 (hg19) VCF-style: chr2-178407176-C-A.
Identifiers: ClinVar variation 332592 (VCV000332592.6), dbSNP rs10803912, ClinGen allele CA10611535.

ClinVar aggregate classification (germline): Benign. Review status: criteria provided, multiple submitters, no conflicts (2 of 4 stars). 2 submissions from 2 submitters: Benign (2). Last evaluated 2018-01-13.

Conditions:
Rhizomelic chondrodysplasia punctata type 3 (RCDP3). Also called: ALKYLDIHYDROXYACETONEPHOSPHATE SYNTHASE DEFICIENCY; Alkylglycerone Phosphate Synthase (AGPS) deficiency. Identifiers: Orphanet 177, Orphanet 309803, MedGen C1838612, MONDO:0010823, OMIM 600121. Disease mechanism: loss of function.

Allele frequency attached by ClinVar (database versions not stated): gnomAD 0.83746 and 0.84120; TOPMed 0.83899; 1000 Genomes Project 0.87700; 1000 Genomes Project 30x 0.87726.

Submissions (2):

Illumina Laboratory Services, Illumina
Classification: Benign for Rhizomelic chondrodysplasia punctata type 3. Last evaluated: 2018-01-13. Review status: criteria provided, single submitter. Criteria: ICSL Variant Classification Criteria 13 December 2019. Collection method: clinical testing. Allele origin: germline.
Comment: This variant was observed in the ICSL laboratory as part of a predisposition screen in an ostensibly healthy population. It had not been previously curated by ICSL or reported in the Human Gene Mutation Database (HGMD: prior to June 1st, 2018), and was therefore a candidate for classification through an automated scoring system. Utilizing variant allele frequency, disease prevalence and penetrance estimates, and inheritance mode, an automated score was calculated to assess if this variant is too frequent to cause the disease. Based on the score and internal cut-off values, a variant classified as benign is not then subjected to further curation. The score for this variant resulted in a classification of benign for this disease.

Breakthrough Genomics
Classification: Benign. Review status: criteria provided, single submitter. Criteria: ACMG Guidelines, 2015. Collection method: not provided. Allele origin: germline. Inheritance: Autosomal recessive inheritance. Affected: yes.